The following is an entry in ClinVar:

ClinVar aggregate classification (germline): Pathogenic (1 of 4 stars; one submission).

Conditions:
Macular corneal dystrophy (MCD). Also called: GROENOUW TYPE II CORNEAL DYSTROPHY; Macular corneal dystrophy Type I. Identifiers: Orphanet 98969, MedGen C1636149, MONDO:0009020, OMIM 217800.

Submission:

Women's Health and Genetics/Laboratory Corporation of America, LabCorp
Classification: Pathogenic for Macular corneal dystrophy. Last evaluated: 2024-12-30. Review status: criteria provided, single submitter. Criteria: LabCorp Variant Classification Summary - May 2015. Collection method: clinical testing. Allele origin: germline.
Comment: Variant summary: CHST6 c.124C>T (p.His42Tyr) results in a conservative amino acid change located in the sulfotransferase domain (IPR000863) of the encoded protein sequence. Four of five in-silico tools predict a damaging effect of the variant on protein function. The variant was absent in 244418 control chromosomes. c.124C>T has been reported in the literature in multiple homozygous individuals affected with Macular Corneal Dystrophy (e.g., Warren_2003, Murugan_2017). These data indicate that the variant is very likely to be associated with disease. To our knowledge, no experimental evidence demonstrating an impact on protein function has been reported. The following publications have been ascertained in the context of this evaluation (PMID: 14609920, 10.15226/2377-4274/4/1/00117). No submitters have cited clinical-significance assessments for this variant to ClinVar. Based on the evidence outlined above, the variant was classified as pathogenic.

Literature cited by the submitters: PubMed 14609920.

NM_021615.5(CHST6):c.124C>T (p.His42Tyr)

Gene: CHST6 (carbohydrate sulfotransferase 6; minus strand). Cytogenetic location: 16q23.1.
Variant type: single nucleotide variant.
Coding change: c.124C>T on transcript NM_021615.5 (MANE Select); coding-DNA position 124, C replaced by T.
Protein change: p.His42Tyr; replaces histidine 42 with tyrosine.
Molecular consequence: missense variant.
Genome position (GRCh38, 1-based): chr16:75,479,705, G>A on the plus strand (C>T on the coding strand, the complement: CHST6 is on the minus strand). VCF-style: chr16-75479705-G-A. GRCh37 (hg19) VCF-style: chr16-75513603-G-A.
Other names: short protein forms H42Y.
Identifiers: ClinVar variation 3768560 (VCV003768560.1).
Genomic context (GRCh38, chr16:75,479,705, plus strand): 5'-GGTTGAAGAGTTGGCCCACGAAGGACGAGCCCGAGCGCCACGAGGACAGCACCAGCACAT[G>A]CACGCGCGCCTCGCCGCCTGCTGGGGACGAGGGCCCTGGCCGGGAAACCAGAAAGAGGAG-3'
Protein context (NP_067628.1, residues 32-52): SSPAGGEARV[His42Tyr]VLVLSSWRSG